The following is an entry in ClinVar:

ClinVar aggregate classification (germline): Uncertain significance (1 of 4 stars; one submission).

Conditions:
Inborn genetic diseases. Identifiers: MedGen C0950123, MeSH D030342.

gnomAD v4.1: 1 of 1,503,154 alleles (0.000067%); no homozygotes.

Submission:

Ambry Genetics
Classification: Uncertain significance for Inborn genetic diseases. Last evaluated: 2020-01-17. Review status: criteria provided, single submitter. Criteria: Ambry Variant Classification Scheme 2023. Collection method: clinical testing. Allele origin: germline.
Comment: The p.F59L variant (also known as c.177C>A), located in coding exon 1 of the HCN1 gene, results from a C to A substitution at nucleotide position 177. The phenylalanine at codon 59 is replaced by leucine, an amino acid with highly similar properties. This amino acid position is well conserved in available vertebrate species; however, leucine is the reference amino acid in other vertebrate species. In addition, the in silico prediction for this alteration is inconclusive. Since supporting evidence is limited at this time, the clinical significance of this alteration remains unclear.

NM_021072.4(HCN1):c.177C>A (p.Phe59Leu)

Gene: HCN1 (hyperpolarization activated cyclic nucleotide gated potassium channel 1; minus strand). Cytogenetic location: 5p12.
Variant type: single nucleotide variant.
Coding change: c.177C>A on transcript NM_021072.4 (MANE Select); coding-DNA position 177, C replaced by A.
Protein change: p.Phe59Leu; replaces phenylalanine 59 with leucine.
Molecular consequence: missense variant.
Genome position (GRCh38, 1-based): chr5:45,695,917, G>T on the plus strand (C>A on the coding strand, the complement: HCN1 is on the minus strand). VCF-style: chr5-45695917-G-T. GRCh37 (hg19) VCF-style: chr5-45696019-G-T.
Other names: short protein forms F59L.
Identifiers: ClinVar variation 1779936 (VCV001779936.2), dbSNP rs1298378220, ClinGen allele CA359706585.